The following is an entry in ClinVar:

NM_000170.3(GLDC):c.2839-3C>T

Gene: GLDC (glycine decarboxylase; minus strand). Cytogenetic location: 9p24.1.
Variant type: single nucleotide variant.
Coding change: c.2839-3C>T on transcript NM_000170.3 (MANE Select); 3 bases into the intron before coding-DNA position 2839, C replaced by T.
Molecular consequence: intron variant.
Genome position (GRCh38, 1-based): chr9:6,534,791, G>A on the plus strand (C>T on the coding strand, the complement: GLDC is on the minus strand). VCF-style: chr9-6534791-G-A. GRCh37 (hg19) VCF-style: chr9-6534791-G-A.
Identifiers: ClinVar variation 972615 (VCV000972615.9), dbSNP rs1252272018, ClinGen allele CA585762465.

ClinVar aggregate classification (germline): Uncertain significance. Review status: criteria provided, single submitter (1 of 4 stars). 2 submissions from 2 submitters: Uncertain significance (1). 1 of the submissions does not count toward it. Last evaluated 2021-09-02.

Conditions:
Glycine encephalopathy. Also called: Non-ketotic hyperglycinemia; Nonketotic hyperglycinemia. Identifiers: Orphanet 407, MedGen C0751748, MONDO:0011612, HP:0008288.

Allele frequency attached by ClinVar (database versions not stated): gnomAD exomes below 0.00001.
gnomAD v4.1: 4 of 1,557,066 alleles (0.00026%); highest among the groups gnomAD compares: South Asian, 0.0033%; no homozygotes.

Submissions (2):

Labcorp Genetics (formerly Invitae), Labcorp
Classification: Uncertain significance for Glycine encephalopathy. Last evaluated: 2021-09-02. Review status: criteria provided, single submitter. Criteria: Invitae Variant Classification Sherloc (09022015). Collection method: clinical testing. Allele origin: germline.
Comment: This sequence change falls in intron 23 of the GLDC gene. It does not directly change the encoded amino acid sequence of the GLDC protein. It affects a nucleotide within the consensus splice site of the intron. This variant is not present in population databases (ExAC no frequency). This variant has not been reported in the literature in individuals affected with GLDC-related conditions. Variants that disrupt the consensus splice site are a relatively common cause of aberrant splicing (PMID: 17576681, 9536098). Algorithms developed to predict the effect of sequence changes on RNA splicing suggest that this variant is not likely to affect RNA splicing. In summary, the available evidence is currently insufficient to determine the role of this variant in disease. Therefore, it has been classified as a Variant of Uncertain Significance.

Natera, Inc.
Classification: Uncertain significance for Non-ketotic hyperglycinemia. Last evaluated: 2020-12-24. Review status: no assertion criteria provided. Collection method: clinical testing. Allele origin: germline. Not counted in ClinVar's aggregate classification.

Literature cited by the submitters: PubMed 17576681 (cited by Labcorp Genetics (formerly Invitae), Labcorp); PubMed 9536098 (cited by Labcorp Genetics (formerly Invitae), Labcorp).